The following is an entry in ClinVar:

NM_000051.4(ATM):c.7457G>A (p.Arg2486Gln)

Genes: ATM (ATM serine/threonine kinase; plus strand), C11orf65 (chromosome 11 open reading frame 65; minus strand). Cytogenetic location: 11q22.3.
Variant type: single nucleotide variant.
Coding change: c.7457G>A on transcript NM_000051.4 (MANE Select); coding-DNA position 7457, G replaced by A.
Protein change: p.Arg2486Gln; replaces arginine 2486 with glutamine.
Molecular consequence: missense variant. On other transcripts: intron variant (2).
Genome position (GRCh38, 1-based): chr11:108,330,363, G>A. VCF-style: chr11-108330363-G-A. GRCh37 (hg19) VCF-style: chr11-108201090-G-A.
Other names: c.7457G>A, p.Arg2486Gln (NM_001351834.2); c.641-21292C>T (NM_001330368.2); c.*38+4857C>T (NM_001351110.2); short protein forms R2486Q.
Identifiers: ClinVar variation 236774 (VCV000236774.24), dbSNP rs773944604, ClinGen allele CA10582853.

ClinVar aggregate classification (germline): Uncertain significance. Review status: criteria provided, multiple submitters, no conflicts (2 of 4 stars). 3 submissions from 3 submitters: Uncertain significance (2). 1 of the submissions does not count toward it. Last evaluated 2025-07-14.

Conditions:
Hereditary cancer-predisposing syndrome. Also called: Neoplastic Syndromes, Hereditary; Hereditary neoplastic syndrome; Tumor predisposition; Hereditary Cancer Syndrome. Identifiers: Orphanet 140162, MedGen C0027672, MeSH D009386, MONDO:0015356.
Ataxia-telangiectasia syndrome (AT). Also called: Ataxia telangiectasia (A-T); Cerebello-oculocutaneous telangiectasia; Immunodeficiency with ataxia telangiectasia; LOUIS-BAR SYNDROME; AT, COMPLEMENTATION GROUP C; ATAXIA-TELANGIECTASIA, FRESNO VARIANT. Identifiers: Orphanet 100, MedGen C0004135, MONDO:0008840, OMIM 208900.

Allele frequency attached by ClinVar (database versions not stated): gnomAD exomes below 0.00001.
gnomAD v4.1: 2 of 1,614,130 alleles (0.00012%); highest among the groups gnomAD compares: Non-Finnish European, 0.00017%; no homozygotes.

Submissions (3):

Labcorp Genetics (formerly Invitae), Labcorp
Classification: Uncertain significance for Ataxia-telangiectasia syndrome. Last evaluated: 2025-07-14. Review status: criteria provided, single submitter. Criteria: Invitae Variant Classification Sherloc (09022015). Collection method: clinical testing. Allele origin: germline.
Comment: This sequence change replaces arginine, which is basic and polar, with glutamine, which is neutral and polar, at codon 2486 of the ATM protein (p.Arg2486Gln). This variant is not present in population databases (gnomAD no frequency). This missense change has been observed to be homozygous, hemizygous or homoplasmic in an individual who did not have the expected clinical features for that genetic result (PMID: 16387360). ClinVar contains an entry for this variant (Variation ID: 236774). Invitae Evidence Modeling of protein sequence and biophysical properties (such as structural, functional, and spatial information, amino acid conservation, physicochemical variation, residue mobility, and thermodynamic stability) indicates that this missense variant is expected to disrupt ATM protein function with a positive predictive value of 80%. In summary, the available evidence is currently insufficient to determine the role of this variant in disease. Therefore, it has been classified as a Variant of Uncertain Significance.

Ambry Genetics
Classification: Uncertain significance for Hereditary cancer-predisposing syndrome. Last evaluated: 2022-07-25. Review status: criteria provided, single submitter. Criteria: Ambry Variant Classification Scheme 2023. Collection method: clinical testing. Allele origin: germline.
Comment: The p.R2486Q variant (also known as c.7457G>A), located in coding exon 49 of the ATM gene, results from a G to A substitution at nucleotide position 7457. The arginine at codon 2486 is replaced by glutamine, an amino acid with highly similar properties. This alteration was identified in a homozygous state in an individual with no features of ataxia telangiectasia (Briani C et al. Leuk Res, 2006 Sep;30:1193-6). This amino acid position is highly conserved in available vertebrate species. In addition, this alteration is predicted to be deleterious by in silico analysis. Since supporting evidence is limited at this time, the clinical significance of this alteration remains unclear.

Natera, Inc.
Classification: Uncertain significance for Ataxia-telangiectasia. Last evaluated: 2020-09-23. Review status: no assertion criteria provided. Collection method: clinical testing. Allele origin: germline. Not counted in ClinVar's aggregate classification.

Literature cited by the submitters: PubMed 16387360 (cited by Labcorp Genetics (formerly Invitae), Labcorp and Ambry Genetics).